The following is an entry in ClinVar:

ClinVar aggregate classification (germline): Uncertain significance (1 of 4 stars; one submission).

Submission:

Labcorp Genetics (formerly Invitae), Labcorp
Classification: Uncertain significance. Last evaluated: 2024-10-22. Review status: criteria provided, single submitter. Criteria: Invitae Variant Classification Sherloc (09022015). Collection method: clinical testing. Allele origin: germline.
Comment: This sequence change replaces valine, which is neutral and non-polar, with glycine, which is neutral and non-polar, at codon 180 of the DYM protein (p.Val180Gly). This variant is not present in population databases (gnomAD no frequency). This variant has not been reported in the literature in individuals affected with DYM-related conditions. ClinVar contains an entry for this variant (Variation ID: 1438264). Invitae Evidence Modeling of protein sequence and biophysical properties (such as structural, functional, and spatial information, amino acid conservation, physicochemical variation, residue mobility, and thermodynamic stability) indicates that this missense variant is not expected to disrupt DYM protein function with a negative predictive value of 80%. In summary, the available evidence is currently insufficient to determine the role of this variant in disease. Therefore, it has been classified as a Variant of Uncertain Significance.

NM_001353214.3(DYM):c.539T>G (p.Val180Gly)

Gene: DYM (dymeclin; minus strand). Cytogenetic location: 18q21.1.
Variant type: single nucleotide variant.
Coding change: c.539T>G on transcript NM_001353214.3 (MANE Select); coding-DNA position 539, T replaced by G.
Protein change: p.Val180Gly; replaces valine 180 with glycine.
Molecular consequence: missense variant. On other transcripts: intron variant (6).
Genome position (GRCh38, 1-based): chr18:49,333,809, A>C on the plus strand (T>G on the coding strand, the complement: DYM is on the minus strand). VCF-style: chr18-49333809-A-C. GRCh37 (hg19) VCF-style: chr18-46860179-A-C.
Other names: c.539T>G, p.Val180Gly (NM_001353210.3, NM_001353213.3, NM_001353215.3 and 10 more transcripts); c.536T>G, p.Val179Gly (NM_001353211.3, NM_001353212.3, NM_001374429.1 and 1 more transcripts); c.311T>G, p.Val104Gly (NM_001374440.1); c.194-47196T>G (NM_001374443.1); c.194-47193T>G (NM_001374444.1, NM_001374442.1, NM_001374441.1); c.495-1803T>G (NM_001374436.1, NM_001374432.1); short protein forms V104G, V179G, V180G.
Identifiers: ClinVar variation 1438264 (VCV001438264.8), dbSNP rs2146865937, ClinGen allele CA402509552.